The following is an entry in ClinVar:

ClinVar aggregate classification (germline): Uncertain significance (1 of 4 stars; one submission).

Allele frequency attached by ClinVar (database versions not stated): ExAC 0.00001; gnomAD 0.00002; gnomAD exomes 0.00002 and 0.00003; TOPMed 0.00002.
gnomAD v4.1: 46 of 1,611,084 alleles (0.0029%); highest among the groups gnomAD compares: Non-Finnish European, 0.0039%; no homozygotes.

Submission:

GeneDx
Classification: Uncertain significance. Last evaluated: 2016-12-21. Review status: criteria provided, single submitter. Criteria: GeneDx Variant Classification (06012015). Collection method: clinical testing. Allele origin: germline. Affected: yes.
Comment: The A2117T variant in the RANBP2 gene has not been reported previously as a pathogenic variant, nor as a benign variant, to our knowledge. The A2117T variant was not observed in approximately 6,500 individuals of European and African American ancestry in the NHLBI Exome Sequencing Project, indicating it is not a common benign variant in these populations. The A2117T variant is a non-conservative amino acid substitution, which is likely to impact secondary protein structure as these residues differ in polarity, charge, size and/or other properties. This substitution occurs at a position that is conserved in mammals. In silico analysis is inconsistent in its predictions as to whether or not the variant is damaging to the protein structure/function. We interpret A2117T as a variant of uncertain significance.

NM_006267.5(RANBP2):c.6349G>A (p.Ala2117Thr)

Gene: RANBP2 (RAN binding protein 2; plus strand). Cytogenetic location: 2q13.
Variant type: single nucleotide variant.
Coding change: c.6349G>A on transcript NM_006267.5 (MANE Select); coding-DNA position 6349, G replaced by A.
Protein change: p.Ala2117Thr; replaces alanine 2117 with threonine.
Molecular consequence: missense variant.
Genome position (GRCh38, 1-based): chr2:108,766,888, G>A. VCF-style: chr2-108766888-G-A. GRCh37 (hg19) VCF-style: chr2-109383344-G-A.
Other names: short protein forms A2117T.
Identifiers: ClinVar variation 391495 (VCV000391495.2), dbSNP rs769174532, ClinGen allele CA1823425.